The following is an entry in ClinVar:

NM_024422.6(DSC2):c.1537G>T (p.Asp513Tyr)

Gene: DSC2 (desmocollin 2; minus strand). Cytogenetic location: 18q12.1.
Variant type: single nucleotide variant.
Coding change: c.1537G>T on transcript NM_024422.6 (MANE Select); coding-DNA position 1537, G replaced by T.
Protein change: p.Asp513Tyr; replaces aspartic acid 513 with tyrosine.
Molecular consequence: missense variant.
Genome position (GRCh38, 1-based): chr18:31,079,973, C>A on the plus strand (G>T on the coding strand, the complement: DSC2 is on the minus strand). VCF-style: chr18-31079973-C-A. GRCh37 (hg19) VCF-style: chr18-28659939-C-A.
Other names: c.1537G>T, p.Asp513Tyr (NM_004949.5); short protein forms D513Y.
Identifiers: ClinVar variation 163188 (VCV000163188.19), dbSNP rs373324195, ClinGen allele CA022494.

ClinVar aggregate classification (germline): Uncertain significance. Review status: criteria provided, multiple submitters, no conflicts (2 of 4 stars). 6 submissions from 6 submitters: Uncertain significance (6). Last evaluated 2025-04-11.

Conditions:
Cardiovascular phenotype. Identifiers: MedGen CN230736.
Familial isolated arrhythmogenic right ventricular dysplasia. Identifiers: Orphanet 217656, MedGen C4274968, MONDO:0016342.
Cardiomyopathy (CMYO). Also called: Cardiomyopathies. Identifiers: Orphanet 167848, MedGen C0878544, MONDO:0004994, HP:0001638. Inheritance: Various modes of inheritance.
Arrhythmogenic right ventricular dysplasia 11. Also called: ARRHYTHMOGENIC RIGHT VENTRICULAR DYSPLASIA, FAMILIAL, 11; Arrhythmogenic right ventricular dysplasia 11 with mild palmoplantar keratoderma and woolly hair; Arrhythmogenic Right Ventricular Dysplasia/Cardiomyopathy11. Identifiers: MedGen C1864850, MONDO:0012506, OMIM 610476.

Allele frequency attached by ClinVar (database versions not stated): gnomAD exomes below 0.00001; ExAC 0.00001; ESP Exome Variant Server 0.00008; TOPMed 0.00001; gnomAD 0.00003.
gnomAD v4.1: 5 of 1,613,704 alleles (0.00031%); highest among the groups gnomAD compares: African/African-American, 0.0067%; no homozygotes.

Submissions (6):

Labcorp Genetics (formerly Invitae), Labcorp
Classification: Uncertain significance for Arrhythmogenic right ventricular dysplasia 11. Last evaluated: 2025-04-11. Review status: criteria provided, single submitter. Criteria: Invitae Variant Classification Sherloc (09022015). Collection method: clinical testing. Allele origin: germline.
Comment: This sequence change replaces aspartic acid, which is acidic and polar, with tyrosine, which is neutral and polar, at codon 513 of the DSC2 protein (p.Asp513Tyr). This variant is present in population databases (rs373324195, gnomAD 0.01%). This variant has not been reported in the literature in individuals affected with DSC2-related conditions. ClinVar contains an entry for this variant (Variation ID: 163188). Invitae Evidence Modeling of protein sequence and biophysical properties (such as structural, functional, and spatial information, amino acid conservation, physicochemical variation, residue mobility, and thermodynamic stability) indicates that this missense variant is expected to disrupt DSC2 protein function with a positive predictive value of 80%. Algorithms developed to predict the effect of sequence changes on RNA splicing suggest that this variant may create or strengthen a splice site. In summary, the available evidence is currently insufficient to determine the role of this variant in disease. Therefore, it has been classified as a Variant of Uncertain Significance.

Color Diagnostics, LLC DBA Color Health
Classification: Uncertain significance for Cardiomyopathy. Last evaluated: 2024-03-06. Review status: criteria provided, single submitter. Criteria: ACMG Guidelines, 2015. Collection method: clinical testing. Allele origin: germline.
Comment: This missense variant replaces aspartic acid with tyrosine at codon 513 of the DSC2 protein. Computational prediction tool is inconclusive regarding the impact of this variant on protein structure and function (internally defined REVEL score threshold 0.5 < inconclusive < 0.7, PMID: 27666373). Splice site prediction tools suggest that this variant may not impact RNA splicing. To our knowledge, functional studies have not been performed for this variant. This variant has not been reported in individuals affected with cardiovascular disorders in the literature. This variant has been identified in 3/282436 chromosomes in the general population by the Genome Aggregation Database (gnomAD). The available evidence is insufficient to determine the role of this variant in disease conclusively. Therefore, this variant is classified as a Variant of Uncertain Significance.

All of Us Research Program, National Institutes of Health
Classification: Uncertain significance for Familial isolated arrhythmogenic right ventricular dysplasia. Last evaluated: 2023-06-28. Review status: criteria provided, single submitter. Criteria: ACMG Guidelines, 2015. Collection method: clinical testing. Allele origin: germline. Inheritance: Autosomal dominant inheritance. Observed: 1 variant allele, 1 heterozygote.
Comment: This missense variant replaces aspartic acid with tyrosine at codon 513 of the DSC2 protein. Computational prediction tool is inconclusive regarding the impact of this variant on protein structure and function (internally defined REVEL score threshold 0.5 < inconclusive < 0.7, PMID: 27666373). Splice site prediction tools suggest that this variant may not impact RNA splicing. To our knowledge, functional studies have not been performed for this variant. This variant has not been reported in individuals affected with cardiovascular disorders in the literature. This variant has been identified in 3/282436 chromosomes in the general population by the Genome Aggregation Database (gnomAD). The available evidence is insufficient to determine the role of this variant in disease conclusively. Therefore, this variant is classified as a Variant of Uncertain Significance.

This study involves interpretation of variants in research participants for the purpose of population health screening. Participant phenotype was not available at the time of variant classification. Additional details can be found in publication PMID: 35346344, PMCID: PMC8962531

CHEO Genetics Diagnostic Laboratory, Children's Hospital of Eastern Ontario
Classification: Uncertain significance for Cardiomyopathy. Last evaluated: 2023-03-03. Review status: criteria provided, single submitter. Criteria: ACMG Guidelines, 2015. Collection method: clinical testing. Allele origin: germline.

Ambry Genetics
Classification: Uncertain significance for Cardiovascular phenotype. Last evaluated: 2021-11-04. Review status: criteria provided, single submitter. Criteria: Ambry Variant Classification Scheme 2023. Collection method: clinical testing. Allele origin: germline.
Comment: The p.D513Y variant (also known as c.1537G>T), located in coding exon 11 of the DSC2 gene, results from a G to T substitution at nucleotide position 1537. The aspartic acid at codon 513 is replaced by tyrosine, an amino acid with highly dissimilar properties. This amino acid position is conserved. In addition, the in silico prediction for this alteration is inconclusive. Since supporting evidence is limited at this time, the clinical significance of this alteration remains unclear.

Laboratory for Molecular Medicine, Mass General Brigham Personalized Medicine
Classification: Uncertain significance. Last evaluated: 2014-05-15. Review status: criteria provided, single submitter. Criteria: LMM Criteria. Collection method: clinical testing. Allele origin: germline. Observed: 1 variant allele.
Comment: The Asp513Tyr variant in DSC2 has not been previously reported in individuals wi th cardiomyopathy, but has been identified in 1/4406 of African American chromos omes by the NHLBI Exome Sequencing Project. Computational prediction tools and conservation analysis don?t provide strong ev idence for or against an impact to the protein. In summary, the clinical signifi cance of the Asp513Tyr variant is uncertain.